The following is an entry in ClinVar:

NM_000540.3(RYR1):c.1909A>G (p.Ile637Val)

Gene: RYR1 (ryanodine receptor 1; plus strand). Cytogenetic location: 19q13.2.
Variant type: single nucleotide variant.
Coding change: c.1909A>G on transcript NM_000540.3 (MANE Select); coding-DNA position 1909, A replaced by G.
Protein change: p.Ile637Val; replaces isoleucine 637 with valine.
Molecular consequence: missense variant.
Genome position (GRCh38, 1-based): chr19:38,457,614, A>G. VCF-style: chr19-38457614-A-G. GRCh37 (hg19) VCF-style: chr19-38948254-A-G.
Other names: c.1909A>G, p.Ile637Val (NM_001042723.2); short protein forms I637V.
Identifiers: ClinVar variation 424452 (VCV000424452.16), dbSNP rs567084532, ClinGen allele CA062564.
Genomic context (GRCh38, chr19:38,457,614, plus strand): 5'-CAAGATCTTATTACTGAGAACTTGCTGCCTGGCCGTGAGCTTCTGCTGCAGACAAACCTC[A>G]TCAACTATGTCACCAGGTCTGGCTCTCAACATCTGACCCCAGAACTCAGAACCTCTCAAC-3'
Protein context (NP_000531.2, residues 627-647): GRELLLQTNL[Ile637Val]NYVTSIRPNI

ClinVar aggregate classification (germline): Conflicting classifications of pathogenicity. Review status: criteria provided, conflicting classifications (1 of 4 stars). 4 submissions from 4 submitters: Uncertain significance (1); Likely benign (2). 1 of the submissions does not count toward it. Last evaluated 2024-11-04.

Conditions:
RYR1-related disorder. Also called: RYR1-related disorders; RYR1-related condition. Identifiers: MedGen CN239331.
Malignant hyperthermia, susceptibility to, 1 (MHS1). Also called: RYR1-Related Malignant Hyperthermia Susceptibility; Malignant hyperthermia suceptibility 1; Anesthesia related hyperthermia; Malignant hyperpyrexia; Fulminating hyperpyrexia; Pharmacogenic myopathy. Identifiers: Orphanet 423, MedGen C2930980, MONDO:0007783, OMIM 145600.

Allele frequency attached by ClinVar (database versions not stated): gnomAD 0.00001 and 0.00005; TOPMed 0.00002; gnomAD exomes 0.00021; ExAC 0.00031; 1000 Genomes Project 30x 0.00062; 1000 Genomes Project 0.00080.
gnomAD v4.1: 136 of 1,614,134 alleles (0.0084%); highest among the groups gnomAD compares: South Asian, 0.13%; 4 homozygotes.

Submissions (4):

Labcorp Genetics (formerly Invitae), Labcorp
Classification: Likely benign for RYR1-related disorder. Last evaluated: 2024-11-04. Review status: criteria provided, single submitter. Criteria: Invitae Variant Classification Sherloc (09022015). Collection method: clinical testing. Allele origin: germline.

Color Diagnostics, LLC DBA Color Health
Classification: Likely benign for Malignant hyperthermia, susceptibility to, 1. Last evaluated: 2022-11-06. Review status: criteria provided, single submitter. Criteria: ACMG Guidelines, 2015. Collection method: clinical testing. Allele origin: germline.

GeneDx
Classification: Uncertain significance. Last evaluated: 2017-03-27. Review status: criteria provided, single submitter. Criteria: GeneDx Variant Classification (06012015). Collection method: clinical testing. Allele origin: germline. Affected: yes.
Comment: The I637V variant has not been published as a pathogenic variant, nor has it been reported as a benign variant to our knowledge. The I637V variant is observed in 37/16512 (0.22%) alleles from individuals of South Asian background, including 1 homozygous individual in large population cohorts (Lek et al., 2016; 1000 Genomes Consortium et al., 2015; Exome Variant Server). This variant is a conservative amino acid substitution, which is not likely to impact secondary protein structure as these residues share similar properties. This substitution occurs at a position where amino acids with similar properties to Isoleucine are tolerated across species. However, in silico analysis is inconsistent in its predictions as to whether or not the variant is damaging to the protein structure/function.

PreventionGenetics, part of Exact Sciences
Classification: Uncertain significance for RYR1-related condition. Last evaluated: 2023-10-23. Review status: no assertion criteria provided. Collection method: clinical testing. Allele origin: germline. Not counted in ClinVar's aggregate classification.
Comment: The RYR1 c.1909A>G variant is predicted to result in the amino acid substitution p.Ile637Val. To our knowledge, this variant has not been reported in the literature. This variant is reported in 0.16% of alleles in individuals of South Asian descent in gnomAD, which is likely too common to be a primary cause of autosomal dominant disorders. Although we suspect that this variant may be benign, at this time, the clinical significance of this variant is uncertain due to the absence of conclusive functional and genetic evidence.